The following is an entry in ClinVar:

NM_024675.4(PALB2):c.2207C>G (p.Ala736Gly)

Gene: PALB2 (partner and localizer of BRCA2; minus strand). Cytogenetic location: 16p12.2.
Variant type: single nucleotide variant.
Coding change: c.2207C>G on transcript NM_024675.4 (MANE Select); coding-DNA position 2207, C replaced by G.
Protein change: p.Ala736Gly; replaces alanine 736 with glycine.
Molecular consequence: missense variant.
Genome position (GRCh38, 1-based): chr16:23,629,947, G>C on the plus strand (C>G on the coding strand, the complement: PALB2 is on the minus strand). VCF-style: chr16-23629947-G-C. GRCh37 (hg19) VCF-style: chr16-23641268-G-C.
Other names: short protein forms A736G.
Identifiers: ClinVar variation 936242 (VCV000936242.12), dbSNP rs746056001, ClinGen allele CA395125579.

ClinVar aggregate classification (germline): Uncertain significance. Review status: criteria provided, multiple submitters, no conflicts (2 of 4 stars). 2 submissions from 2 submitters: Uncertain significance (2). Last evaluated 2026-02-02.

Conditions:
Familial cancer of breast. Also called: Hereditary breast cancer; hereditary breast carcinoma; BREAST CANCER, FAMILIAL. Identifiers: Orphanet 227535, MedGen C0346153, MONDO:0016419, OMIM 114480. Disease mechanism: loss of function.

Submissions (2):

GeneDx
Classification: Uncertain significance. Last evaluated: 2026-02-02. Review status: criteria provided, single submitter. Criteria: GeneDx Variant Classification Process June 2021. Collection method: clinical testing. Allele origin: germline.
Comment: Not observed at significant frequency in large population cohorts (gnomAD); In silico analysis supports that this missense variant has a deleterious effect on protein structure/function; Has not been previously published as pathogenic or benign to our knowledge; This variant is associated with the following publications: (PMID: 22941656)

Labcorp Genetics (formerly Invitae), Labcorp
Classification: Uncertain significance for Familial cancer of breast. Last evaluated: 2019-09-16. Review status: criteria provided, single submitter. Criteria: Invitae Variant Classification Sherloc (09022015). Collection method: clinical testing. Allele origin: germline.
Comment: This sequence change replaces alanine with glycine at codon 736 of the PALB2 protein (p.Ala736Gly). The alanine residue is highly conserved and there is a small physicochemical difference between alanine and glycine. This variant is not present in population databases (ExAC no frequency). In summary, the available evidence is currently insufficient to determine the role of this variant in disease. Therefore, it has been classified as a Variant of Uncertain Significance. Algorithms developed to predict the effect of missense changes on protein structure and function (SIFT, PolyPhen-2, Align-GVGD) all suggest that this variant is likely to be tolerated, but these predictions have not been confirmed by published functional studies and their clinical significance is uncertain. This variant has not been reported in the literature in individuals with PALB2-related conditions.